The following is an entry in ClinVar:

ClinVar aggregate classification (germline): Uncertain significance (1 of 4 stars; one submission).

Conditions:
Combined oxidative phosphorylation defect type 17. Also called: Combined oxidative phosphorylation deficiency 17. Identifiers: Orphanet 369913, MedGen C3809526, MONDO:0014190, OMIM 615440.

Submission:

Labcorp Genetics (formerly Invitae), Labcorp
Classification: Uncertain significance for Combined oxidative phosphorylation defect type 17. Last evaluated: 2018-09-11. Review status: criteria provided, single submitter. Criteria: Invitae Variant Classification Sherloc (09022015). Collection method: clinical testing. Allele origin: germline.
Comment: This sequence change inserts 63 nucleotides in exon 24 of the ELAC2 gene (c.2353_2415dup). This is expected to lead to the insertion of 21 amino acid residues in the ELAC2 protein (p.Arg785_Asp805dup), but otherwise preserves the integrity of the reading frame. While this variant is present in population databases, the frequency information is unreliable, as metrics indicate poor data quality at this position in the ExAC database. This variant has not been reported in the literature in individuals with an ELAC2-related disease. Experimental studies and prediction algorithms are not available for this variant, and the functional significance of the duplicated amino acids is currently unknown. In summary, this is a rare in frame duplication with an unknown impact on ELAC2 protein function. For these reasons, this change has been classified as a Variant of Uncertain Significance.

NC_000017.10:g.(?_12896201)_(12896263_?)dup

Gene: ELAC2 (elaC ribonuclease Z 2; minus strand). Cytogenetic location: 17p12.
Variant type: Duplication.
Identifiers: ClinVar variation 1064301 (VCV001064301.1).